The following is an entry in ClinVar:

ClinVar aggregate classification (germline): Pathogenic/Likely pathogenic. Review status: criteria provided, multiple submitters, no conflicts (2 of 4 stars). 7 submissions from 7 submitters: Pathogenic (5); Likely pathogenic (1). 1 of the submissions does not count toward it. Last evaluated 2026-08-10.

Conditions:
Adult hypophosphatasia. Identifiers: Orphanet 247676, Orphanet 436, MedGen C0268413, MONDO:1010154, OMIM 146300, MONDO:0007798.
Childhood hypophosphatasia. Identifiers: Orphanet 247667, Orphanet 436, MedGen C0220743, MONDO:1010168, OMIM 241510, MONDO:0009428.
Infantile hypophosphatasia. Identifiers: Orphanet 247651, Orphanet 436, MedGen C0268412, MONDO:1010169, OMIM 241500, MONDO:0009427.
Hypophosphatasia. Also called: Phosphoethanol-aminuria. Identifiers: Orphanet 436, MedGen C0020630, MeSH D007014, MONDO:0018570.

Allele frequency attached by ClinVar (database versions not stated): gnomAD exomes below 0.00001; TOPMed below 0.00001; ExAC 0.00001.

Submissions (7):

Institute of Human Genetics, University of Leipzig Medical Center
Classification: Pathogenic for Childhood hypophosphatasia. Last evaluated: 2026-08-10. Review status: criteria provided, single submitter. Criteria: ACMG Guidelines, 2015. Collection method: clinical testing. Allele origin: unknown. Inheritance: Autosomal dominant inheritance. Affected: yes.
Comment: Criteria applied: PM5,PS3,PS4_MOD,PP3,PP4

Women's Health and Genetics/Laboratory Corporation of America, LabCorp
Classification: Pathogenic for Hypophosphatasia. Last evaluated: 2026-01-20. Review status: criteria provided, single submitter. Criteria: LabCorp Variant Classification Summary - May 2015. Collection method: clinical testing. Allele origin: germline.
Comment: Variant summary: ALPL c.1144G>A (p.Val382Ile) results in a conservative amino acid change in the encoded protein sequence. Algorithms developed to predict the effect of missense changes on protein structure and function are either unavailable or do not agree on the potential impact of this missense change. The variant allele was found at a frequency of 4e-06 in 251488 control chromosomes. c.1144G>A has been observed in individual(s) affected with with autosomal dominant hypophosphatasia and autosomal recessive hypophosphatasia (example: Okawa_2025, Sperelakis-Beedham_2021). These data indicate that the variant is likely to be associated with disease. At least one publication reports experimental evidence evaluating an impact on protein function. The most pronounced variant effect results in <10% of normal activity (Watanable_2002). The following publications have been ascertained in the context of this evaluation (PMID: 33549410, 40000791, 12412800). ClinVar contains an entry for this variant (Variation ID: 371163). Based on the evidence outlined above, the variant was classified as pathogenic for AD Hypophosphatasia and AR Hypophosphatasia.

Natera, Inc.
Classification: Pathogenic for Hypophosphatasia. Last evaluated: 2026-01-02. Review status: criteria provided, single submitter. Criteria: Natera Variant Classification Schema (03/2026). Collection method: clinical testing. Allele origin: germline.
Comment: The c.1144G>A variant in ALPL is a missense variant predicted to cause substitution of valine to isoleucine at amino acid 382. This variant is rare in the general population with a frequency below the threshold expected for the associated phenotype(s). This variant has been observed in one or more individuals affected with the associated recessive disease, as either homozygous or compound heterozygous with a second variant (PMID: 38884565, 23580367, 11810413, 10397525, 9452105). This variant has been observed in affected individual(s) with monoallelic occurrence (heterozygous/hemizygous) (PMID: 33549410, 32160374, 28401263). Functional studies show that this variant may disrupt protein function (PMID: 15137467). Computational prediction algorithms indicate this variant is likely to affect gene or protein function. Given the available evidence, this variant is classified as Pathogenic.

Genomenon, Inc
Classification: Pathogenic for Hypophosphatasia. Last evaluated: 2025-08-29. Review status: criteria provided, single submitter. Criteria: Genomenon Sequence Variant Interpretation Standards. Collection method: curation. Allele origin: germline. Affected: yes.
Comment: ALPL Val382Ile (c.1144G>A) is a missense variant that changes the amino acid at residue 382 from Valine to Isoleucine. This variant has been observed in at least one proband affected with hypophosphatasia (PMID:15840803;19500388;11810413;23580367;9452105;10397525;31600233;32779619). At least one functional study has demonstrated a substantial alteration in protein function relative to the wild-type (PMID:19500388;12412800;15137467;12499779;12162492). It is absent or not present at a significant frequency in gnomAD. In silico models agree that this variant is possibly or probably damaging. In conclusion, we classify ALPL p.Val382Ile (c.1144G>A) as a pathogenic variant.

Labcorp Genetics (formerly Invitae), Labcorp
Classification: Pathogenic. Last evaluated: 2024-11-23. Review status: criteria provided, single submitter. Criteria: Invitae Variant Classification Sherloc (09022015). Collection method: clinical testing. Allele origin: germline.
Comment: This sequence change replaces valine, which is neutral and non-polar, with isoleucine, which is neutral and non-polar, at codon 382 of the ALPL protein (p.Val382Ile). This variant is present in population databases (rs771540767, gnomAD 0.0009%). This missense change has been observed in individual(s) with autosomal dominant hypophosphatasia and/or autosomal recessive hypophosphatasia (PMID: 9452105, 31600233). In at least one individual the data is consistent with being in trans (on the opposite chromosome) from a pathogenic variant. This variant is also known as G1320A, Val365Ile. ClinVar contains an entry for this variant (Variation ID: 371163). Invitae Evidence Modeling of protein sequence and biophysical properties (such as structural, functional, and spatial information, amino acid conservation, physicochemical variation, residue mobility, and thermodynamic stability) indicates that this missense variant is expected to disrupt ALPL protein function with a positive predictive value of 95%. Experimental studies have shown that this missense change affects ALPL function (PMID: 12412800). For these reasons, this variant has been classified as Pathogenic.

Juno Genomics, Hangzhou Juno Genomics, Inc
Classification: Likely pathogenic for Adult hypophosphatasia; Childhood hypophosphatasia; Infantile hypophosphatasia. Review status: criteria provided, single submitter. Criteria: ACMG Guidelines, 2015. Collection method: clinical testing. Allele origin: germline. Affected: yes.
Comment: Absent from controls (or at extremely low frequency if recessive) in Genome Aggregation Database, Exome Sequencing Project, 1000 Genomes Project, or Exome Aggregation Consortium.;For recessive disorders, detected in trans with a pathogenic variant.;Co-segregation with disease in multiple affected family members in a gene definitively known to cause the disease.;Patient's phenotype or family history is highly specific for a disease with a single genetic etiology.;Well-established in vitro or in vivo functional studies supportive of a damaging effect on the gene or gene product.

Counsyl
Classification: Likely pathogenic for Infantile hypophosphatasia. Last evaluated: 2016-07-20. Review status: no assertion criteria provided. Collection method: clinical testing. Allele origin: unknown. Not counted in ClinVar's aggregate classification.

Literature cited by the submitters: PubMed 33549410 (cited by Women's Health and Genetics/Laboratory Corporation of America, LabCorp and Natera, Inc.); PubMed 40000791 (cited by Women's Health and Genetics/Laboratory Corporation of America, LabCorp); PubMed 12412800 (cited by 3 submitters); PubMed 38884565 (cited by Natera, Inc.); PubMed 23580367 (cited by 3 submitters); PubMed 11810413 (cited by 3 submitters); PubMed 10397525 (cited by Natera, Inc. and Genomenon, Inc); PubMed 9452105 (cited by 4 submitters); PubMed 32160374 (cited by Natera, Inc.); PubMed 28401263 (cited by Natera, Inc.); PubMed 15137467 (cited by 3 submitters); PubMed 15840803 (cited by Genomenon, Inc and Counsyl); PubMed 19500388 (cited by Genomenon, Inc and Counsyl); PubMed 31600233 (cited by Genomenon, Inc and Labcorp Genetics (formerly Invitae), Labcorp); PubMed 32779619 (cited by Genomenon, Inc); PubMed 12499779 (cited by Genomenon, Inc); PubMed 12162492 (cited by Genomenon, Inc and Counsyl).

NM_000478.6(ALPL):c.1144G>A (p.Val382Ile)

Gene: ALPL (alkaline phosphatase, biomineralization associated; plus strand). Cytogenetic location: 1p36.12.
Variant type: single nucleotide variant.
Coding change: c.1144G>A on transcript NM_000478.6 (MANE Select); coding-DNA position 1144, G replaced by A.
Protein change: p.Val382Ile; replaces valine 382 with isoleucine.
Molecular consequence: missense variant.
Genome position (GRCh38, 1-based): chr1:21,575,879, G>A. VCF-style: chr1-21575879-G-A. GRCh37 (hg19) VCF-style: chr1-21902372-G-A.
Other names: c.979G>A, p.Val327Ile (NM_001127501.4); c.913G>A, p.Val305Ile (NM_001177520.3); c.1144G>A, p.Val382Ile (NM_001369803.2, NM_001369804.2, NM_001369805.2); c.1144G>A (NM_000478.5); short protein forms V382I, V305I, V327I.
Identifiers: ClinVar variation 371163 (VCV000371163.15), dbSNP rs771540767, ClinGen allele CA666741.